The following is an entry in ClinVar:

NM_005807.6(PRG4):c.807T>C (p.Asp269=)

Gene: PRG4 (proteoglycan 4; plus strand). Cytogenetic location: 1q31.1.
Variant type: single nucleotide variant.
Coding change: c.807T>C on transcript NM_005807.6 (MANE Select); coding-DNA position 807, T replaced by C.
Protein change: p.Asp269=; no amino-acid change (aspartic acid 269 retained).
Molecular consequence: synonymous variant.
Genome position (GRCh38, 1-based): chr1:186,306,526, T>C. VCF-style: chr1-186306526-T-C. GRCh37 (hg19) VCF-style: chr1-186275658-T-C.
Other names: c.684T>C, p.Asp228= (NM_001127708.3); c.528T>C, p.Asp176= (NM_001127709.3); c.405T>C, p.Asp135= (NM_001127710.3); c.678T>C, p.Asp226= (NM_001303232.2).
Identifiers: ClinVar variation 3045729 (VCV003045729.3), dbSNP rs369538986, ClinGen allele CA1295946.

ClinVar aggregate classification (germline): Likely benign. Review status: criteria provided, single submitter (1 of 4 stars). 2 submissions from 2 submitters: Likely benign (1). 1 of the submissions does not count toward it. Last evaluated 2024-04-11.

Conditions:
PRG4-related disorder. Also called: PRG4-related condition.

Allele frequency attached by ClinVar (database versions not stated): gnomAD 0.00024; ESP Exome Variant Server 0.00031; TOPMed 0.00031.
gnomAD v4.1: 622 of 1,612,952 alleles (0.039%); highest among the groups gnomAD compares: Non-Finnish European, 0.048%; no homozygotes.

Submissions (2):

Blueprint Genetics
Classification: Likely benign. Last evaluated: 2024-04-11. Review status: criteria provided, single submitter. Criteria: ACMG Guidelines, 2015. Collection method: clinical testing. Allele origin: germline.

PreventionGenetics, part of Exact Sciences
Classification: Likely benign for PRG4-related condition. Last evaluated: 2019-10-28. Review status: no assertion criteria provided. Collection method: clinical testing. Allele origin: germline. Not counted in ClinVar's aggregate classification.
Comment: This variant is classified as likely benign based on ACMG/AMP sequence variant interpretation guidelines (Richards et al. 2015 PMID: 25741868, with internal and published modifications).